The following is an entry in ClinVar:

NM_002547.3(OPHN1):c.1080G>A (p.Met360Ile)

Gene: OPHN1 (oligophrenin 1; minus strand). Cytogenetic location: Xq12.
Variant type: single nucleotide variant.
Coding change: c.1080G>A on transcript NM_002547.3 (MANE Select); coding-DNA position 1080, G replaced by A.
Protein change: p.Met360Ile; replaces methionine 360 with isoleucine.
Molecular consequence: missense variant.
Genome position (GRCh38, 1-based): chrX:68,197,210, C>T on the plus strand (G>A on the coding strand, the complement: OPHN1 is on the minus strand). VCF-style: chrX-68197210-C-T. GRCh37 (hg19) VCF-style: chrX-67417052-C-T.
Other names: short protein forms M360I.
Identifiers: ClinVar variation 1804215 (VCV001804215.1), dbSNP rs2519789715, ClinGen allele CA413433135.
Genomic context (GRCh38, chrX:68,197,210, plus strand): 5'-ATGCTGGGGAGGTTTCCCCAGTGTCAGGTAACTTACAGGTTCTTTCCCATCCATGGCTTC[C>T]ATCCATAGCCTTCTGTTAGCTTCTGAAAGGGCCTGCAGAGTGATGGTTCCTGGCCTGAGG-3'
Protein context (NP_002538.1, residues 350-370): ALSEANRRLW[Met360Ile]EAMDGKEPIY

ClinVar aggregate classification (germline): Uncertain significance (1 of 4 stars; one submission).

Submission:

GeneDx
Classification: Uncertain significance. Last evaluated: 2022-06-17. Review status: criteria provided, single submitter. Criteria: GeneDx Variant Classification Process June 2021. Collection method: clinical testing. Allele origin: germline. Affected: yes.
Comment: Not observed at significant frequency in large population cohorts (gnomAD); In silico analysis supports that this missense variant does not alter protein structure/function; Has not been previously published as pathogenic or benign to our knowledge